The following is an entry in ClinVar:

ClinVar aggregate classification (germline): Conflicting classifications of pathogenicity. Review status: criteria provided, conflicting classifications (1 of 4 stars). 11 submissions from 10 submitters: Uncertain significance (4); Benign (3); Likely benign (2). 2 of the submissions do not count toward it. Last evaluated 2026-01-27.

Conditions:
Familial Mediterranean fever, autosomal dominant. Also called: FMF, AUTOSOMAL DOMINANT; Dominant Familial Mediterranean Fever. Identifiers: Orphanet 342, MedGen C1851347, MONDO:0007601, OMIM 134610.
Acute febrile neutrophilic dermatosis (AFND). Also called: Sweet Syndrome; Gomm Button disease. Identifiers: Orphanet 3243, MedGen C0085077, MONDO:0011959, OMIM 608068.
Familial Mediterranean fever (FMF). Also called: Periodic peritonitis; Benign paroxysmal peritonitis; POLYSEROSITIS, FAMILIAL PAROXYSMAL; POLYSEROSITIS, RECURRENT. Identifiers: Orphanet 342, MedGen C0031069, MONDO:0018088, OMIM 249100. Disease mechanism: gain of function.
Autoinflammatory syndrome. Identifiers: Orphanet 93665, MedGen C3890737, MONDO:0019751.

Allele frequency attached by ClinVar (database versions not stated): 1000 Genomes Project 30x 0.00031; gnomAD 0.00034 and 0.00035; ESP Exome Variant Server 0.00038; 1000 Genomes Project 0.00040; ExAC 0.00045; TOPMed 0.00045; gnomAD exomes 0.00057.
gnomAD v4.1: 501 of 1,609,952 alleles (0.031%); highest among the groups gnomAD compares: Admixed American, 0.085%; 1 homozygote.

Submissions (11):

Labcorp Genetics (formerly Invitae), Labcorp
Classification: Benign for Familial Mediterranean fever. Last evaluated: 2026-01-27. Review status: criteria provided, single submitter. Criteria: Invitae Variant Classification Sherloc (09022015). Collection method: clinical testing. Allele origin: germline.

Blueprint Genetics
Classification: Likely benign. Last evaluated: 2023-02-02. Review status: criteria provided, single submitter. Criteria: ACMG Guidelines, 2015. Collection method: clinical testing. Allele origin: germline.

Women's Health and Genetics/Laboratory Corporation of America, LabCorp
Classification: Benign. Last evaluated: 2022-07-16. Review status: criteria provided, single submitter. Criteria: LabCorp Variant Classification Summary - May 2015. Collection method: clinical testing. Allele origin: germline.
Comment: Variant summary: MEFV c.1260+10C>T alters a non-conserved nucleotide located close to a canonical splice site and therefore could affect mRNA splicing, leading to a significantly altered protein sequence. 4/4 computational tools predict no significant impact on normal splicing. However, these predictions have yet to be confirmed by functional studies. The variant allele was found at a frequency of 0.00057 in 247282 control chromosomes in the gnomAD database, including 1 homozygotes. This frequency is not significantly higher than expected for a pathogenic variant in MEFV causing Familial Mediterranean Fever (0.00057 vs 0.022), allowing no conclusion about variant significance. To our knowledge, no occurrence of c.1260+10C>T in individuals affected with Familial Mediterranean Fever and no experimental evidence demonstrating its impact on protein function have been reported. Seven clinical diagnostic laboratories have submitted clinical-significance assessments for this variant to ClinVar after 2014 without evidence for independent evaluation. Multiple laboratories reported the variant with conflicting assessments (benign n=2, like benign n=2, VUS n=3). Based on the evidence outlined above, the variant was classified as benign.

Genome Diagnostics Laboratory, The Hospital for Sick Children
Classification: Uncertain significance for Autoinflammatory syndrome. Last evaluated: 2021-08-09. Review status: criteria provided, single submitter. Criteria: ACMG Guidelines, 2015. Collection method: clinical testing. Allele origin: germline. Affected: yes.

Center for Genomics, Ann and Robert H. Lurie Children's Hospital of Chicago
Classification: Uncertain significance for Acute febrile neutrophilic dermatosis; Familial Mediterranean fever; Familial Mediterranean fever, autosomal dominant. Last evaluated: 2021-03-30. Review status: criteria provided, single submitter. Criteria: ACMG Guidelines, 2015. Collection method: clinical testing. Allele origin: germline.
Comment: MEFV NM_000243.2 exon 3 c.1260+10C>T: This variant has not been reported in the literature but is present in 0.9% (96/10270) of Ashkenazi Jewish alleles, including 1 homozygote, in the Genome Aggregation Database. This variant is present in ClinVar (Variation ID:36498) and is also present in the InFevers database. Evolutionary conservation and computational predictive tools for this variant are limited or unavailable. This variant is an intronic variant with no predicted change in the amino acid sequence but may have an unknown effect on splicing. Further studies are needed to understand its impact. In summary, data on this variant is insufficient for disease classification. Therefore, the clinical significance of this variant is uncertain.

Center for Genomics, Ann and Robert H. Lurie Children's Hospital of Chicago
Classification: Uncertain significance for Familial Mediterranean fever, autosomal dominant; Familial Mediterranean fever. Last evaluated: 2020-09-30. Review status: criteria provided, single submitter. Criteria: ACMG Guidelines, 2015. Collection method: clinical testing. Allele origin: germline.
Comment: the same text as in the submission from Center for Genomics, Ann and Robert H. Lurie Children's Hospital of Chicago above.

ARUP Laboratories, Molecular Genetics and Genomics, ARUP Laboratories
Classification: Likely benign. Last evaluated: 2019-05-14. Review status: criteria provided, single submitter. Criteria: ARUP Molecular Germline Variant Investigation Process. Collection method: clinical testing. Allele origin: germline.

Illumina Laboratory Services, Illumina
Classification: Uncertain significance for Familial Mediterranean fever. Last evaluated: 2017-04-28. Review status: criteria provided, single submitter. Criteria: ICSL Variant Classification Criteria 13 December 2019. Collection method: clinical testing. Allele origin: germline.

GeneDx
Classification: Benign. Last evaluated: 2015-03-03. Review status: criteria provided, single submitter. Criteria: GeneDx Variant Classification Process June 2021. Collection method: clinical testing. Allele origin: germline. Affected: yes.

Natera, Inc.
Classification: Likely benign for Familial Mediterranean fever. Last evaluated: 2020-05-13. Review status: no assertion criteria provided. Collection method: clinical testing. Allele origin: germline. Not counted in ClinVar's aggregate classification.

Unité médicale des maladies autoinflammatoires, CHRU Montpellier
No classification provided. Condition: Familial Mediterranean fever. Review status: no classification provided. Collection method: not provided. Allele origin: unknown. Not counted in ClinVar's aggregate classification.

Literature cited by the submitters: PubMed 29599418 (cited by Women's Health and Genetics/Laboratory Corporation of America, LabCorp).

NM_000243.3(MEFV):c.1260+10C>T

Gene: MEFV (MEFV innate immunity regulator, pyrin; minus strand). Cytogenetic location: 16p13.3.
Variant type: single nucleotide variant.
Coding change: c.1260+10C>T on transcript NM_000243.3 (MANE Select); 10 bases into the intron after coding-DNA position 1260, C replaced by T.
Molecular consequence: intron variant.
Genome position (GRCh38, 1-based): chr16:3,249,421, G>A on the plus strand (C>T on the coding strand, the complement: MEFV is on the minus strand). VCF-style: chr16-3249421-G-A. GRCh37 (hg19) VCF-style: chr16-3299421-G-A.
Other names: c.627+10C>T (NM_001198536.2).
Identifiers: ClinVar variation 36498 (VCV000036498.37), dbSNP rs104895137, ClinGen allele CA280244.